The following is an entry in ClinVar:

NM_006949.4(STXBP2):c.1397T>C (p.Met466Thr)

Gene: STXBP2 (syntaxin binding protein 2; plus strand). Cytogenetic location: 19p13.2.
Variant type: single nucleotide variant.
Coding change: c.1397T>C on transcript NM_006949.4 (MANE Select); coding-DNA position 1397, T replaced by C.
Protein change: p.Met466Thr; replaces methionine 466 with threonine.
Molecular consequence: missense variant. On other transcripts: non-coding transcript variant (1).
Genome position (GRCh38, 1-based): chr19:7,646,289, T>C. VCF-style: chr19-7646289-T-C. GRCh37 (hg19) VCF-style: chr19-7711175-T-C.
Other names: c.1388T>C, p.Met463Thr (NM_001127396.3); c.1430T>C, p.Met477Thr (NM_001272034.2); c.1301T>C, p.Met434Thr (NM_001414484.1); short protein forms M434T, M477T, M466T, M463T.
Identifiers: ClinVar variation 2746080 (VCV002746080.2), dbSNP rs376908459, ClinGen allele CA9144141.

ClinVar aggregate classification (germline): Uncertain significance. Review status: criteria provided, multiple submitters, no conflicts (2 of 4 stars). 2 submissions from 2 submitters: Uncertain significance (2). Last evaluated 2026-04-08.

Conditions:
Inborn genetic diseases. Identifiers: MedGen C0950123, MeSH D030342.
Familial hemophagocytic lymphohistiocytosis 5. Also called: STXBP2-Related Familial Hemophagocytic Lymphohistiocytosis (STXBP2-fHLH). Identifiers: Orphanet 540, MedGen C2751293, MONDO:0013135, OMIM 613101.

Allele frequency attached by ClinVar (database versions not stated): gnomAD exomes 0.00001; ExAC 0.00004; ESP Exome Variant Server 0.00008; gnomAD 0.00001; TOPMed 0.00001.
gnomAD v4.1: 18 of 1,611,532 alleles (0.0011%); highest among the groups gnomAD compares: Non-Finnish European, 0.0014%; no homozygotes.

Submissions (2):

Ambry Genetics
Classification: Uncertain significance for Inborn genetic diseases. Last evaluated: 2026-04-08. Review status: criteria provided, single submitter. Criteria: Ambry Variant Classification Scheme 2023. Collection method: clinical testing. Allele origin: germline.

Labcorp Genetics (formerly Invitae), Labcorp
Classification: Uncertain significance for Familial hemophagocytic lymphohistiocytosis 5. Last evaluated: 2023-09-21. Review status: criteria provided, single submitter. Criteria: Invitae Variant Classification Sherloc (09022015). Collection method: clinical testing. Allele origin: germline.
Comment: This sequence change replaces methionine, which is neutral and non-polar, with threonine, which is neutral and polar, at codon 466 of the STXBP2 protein (p.Met466Thr). This variant is present in population databases (rs376908459, gnomAD 0.004%). This variant has not been reported in the literature in individuals affected with STXBP2-related conditions. Advanced modeling of protein sequence and biophysical properties (such as structural, functional, and spatial information, amino acid conservation, physicochemical variation, residue mobility, and thermodynamic stability) performed at Invitae indicates that this missense variant is not expected to disrupt STXBP2 protein function. In summary, the available evidence is currently insufficient to determine the role of this variant in disease. Therefore, it has been classified as a Variant of Uncertain Significance.